The following is an entry in ClinVar:

ClinVar aggregate classification (germline): Conflicting classifications of pathogenicity. Review status: criteria provided, conflicting classifications (1 of 4 stars). 8 submissions from 8 submitters: Uncertain significance (6); Likely benign (1). 1 of the submissions does not count toward it. Last evaluated 2026-01-20.

Conditions:
Walker-Warburg congenital muscular dystrophy. Also called: Muscular dystrophy-dystroglycanopathy, type A; Walker-Warburg syndrome. Identifiers: Orphanet 899, MedGen C0265221, MONDO:0000171.
Muscular dystrophy-dystroglycanopathy (congenital with brain and eye anomalies), type A1 (MDDGA1). Also called: Muscular dystrophy-dystroglycanopathy (congenital with brain and eye anomalies), type A, 1; WALKER-WARBURG SYNDROME OR MUSCLE-EYE-BRAIN DISEASE, POMT1-RELATED; Hydrocephalus, agyria and retinal dysplasia; Hard +/- E syndrome; Warburg syndrome; Chemke syndrome. Identifiers: Orphanet 588, Orphanet 899, MedGen C4284790, MONDO:0009364, OMIM 236670.
Dilated cardiomyopathy 1X (CMD1X). Also called: CARDIOMYOPATHY, DILATED, WITH MILD OR NO PROXIMAL MUSCLE WEAKNESS; FKTN-Related Dilated Cardiomyopathy. Identifiers: Orphanet 154, MedGen C1969024, MONDO:0012704, OMIM 611615.
Muscular dystrophy-dystroglycanopathy (congenital without impaired intellectual development), type B, 4. Also called: Muscular dystrophy-dystroglycanopathy (congenital without intellectual disability), type B4; MUSCULAR DYSTROPHY, CONGENITAL, FKTN-RELATED. Identifiers: MedGen C2751052, MONDO:0013156, OMIM 613152.
Autosomal recessive limb-girdle muscular dystrophy type 2M. Also called: MUSCULAR DYSTROPHY-DYSTROGLYCANOPATHY (LIMB-GIRDLE), TYPE C, 4; MUSCULAR DYSTROPHY, LIMB-GIRDLE, TYPE 2M. Identifiers: Orphanet 206554, MedGen C1969040, MONDO:0012699, OMIM 611588.
Muscular dystrophy-dystroglycanopathy (congenital with brain and eye anomalies), type A, 4 (MDDGA4). Also called: WALKER-WARBURG SYNDROME OR MUSCLE-EYE-BRAIN DISEASE, FKTN-RELATED; Congenital muscular dystrophy-dystroglycanopathy with brain and eye anomalies, type A4; Muscular dystrophy, congenital progressive, with mental retardation; Muscular dystrophy, congenital, with central nervous system involvement; Cerebromuscular dystrophy, Fukuyama type; Fukuyama congenital muscular dystrophy. Identifiers: Orphanet 272, Orphanet 588, Orphanet 899, MedGen C0410174, MONDO:0009678, OMIM 253800.

Allele frequency attached by ClinVar (database versions not stated): 1000 Genomes Project 30x 0.00016; gnomAD 0.00003; TOPMed 0.00003; 1000 Genomes Project 0.00020; ESP Exome Variant Server 0.00008.

Submissions (8):

Labcorp Genetics (formerly Invitae), Labcorp
Classification: Likely benign for Walker-Warburg congenital muscular dystrophy. Last evaluated: 2026-01-20. Review status: criteria provided, single submitter. Criteria: Invitae Variant Classification Sherloc (09022015). Collection method: clinical testing. Allele origin: germline.

GeneDx
Classification: Uncertain significance. Last evaluated: 2025-08-04. Review status: criteria provided, single submitter. Criteria: GeneDx Variant Classification Process June 2021. Collection method: clinical testing. Allele origin: germline. Affected: yes.
Comment: In silico analysis supports that this missense variant has a deleterious effect on protein structure/function; Has not been previously published as pathogenic or benign to our knowledge; This variant is associated with the following publications: (PMID: 30564623)

CeGaT Center for Human Genetics Tuebingen
Classification: Uncertain significance. Last evaluated: 2023-01-01. Review status: criteria provided, single submitter. Criteria: CeGaT Center For Human Genetics Tuebingen Variant Classification Criteria Version 2. Collection method: clinical testing. Allele origin: germline. Affected: yes. Observed: 1 variant allele.

Women's Health and Genetics/Laboratory Corporation of America, LabCorp
Classification: Uncertain significance. Last evaluated: 2022-04-11. Review status: criteria provided, single submitter. Criteria: LabCorp Variant Classification Summary - May 2015. Collection method: clinical testing. Allele origin: germline.
Comment: Variant summary: FKTN c.703C>A (p.Pro235Thr) results in a non-conservative amino acid change located in the Ribitol-5-phosphate transferase FKTN, N-terminal domain (IPR045587) of the encoded protein sequence. Three of five in-silico tools predict a damaging effect of the variant on protein function. The variant allele was found at a frequency of 0.00011 in 251280 control chromosomes in the gnomAD database, including 1 homozygote. This frequency is not significantly higher than estimated for a pathogenic variant in FKTN causing Dilated Cardiomyopathy (0.00011 vs 0.004), allowing no conclusion about variant significance. To our knowledge, no occurrence of c.703C>A in individuals affected with Dilated Cardiomyopathy/FKTN-related disease and no experimental evidence demonstrating its impact on protein function have been reported. Three clinical diagnostic laboratories have submitted clinical-significance assessments for this variant to ClinVar after 2014 without evidence for independent evaluation. All laboratories classified the variant as uncertain significance. Based on the evidence outlined above, the variant was classified as uncertain significance.

Mayo Clinic Laboratories, Mayo Clinic
Classification: Uncertain significance. Last evaluated: 2021-11-12. Review status: criteria provided, single submitter. Criteria: ACMG Guidelines, 2015. Collection method: clinical testing. Allele origin: germline.

Fulgent Genetics
Classification: Uncertain significance for Muscular dystrophy-dystroglycanopathy (congenital with brain and eye anomalies), type A1; Muscular dystrophy-dystroglycanopathy (congenital with brain and eye anomalies), type A, 4; Autosomal recessive limb-girdle muscular dystrophy type 2M; Dilated cardiomyopathy 1X; Muscular dystrophy-dystroglycanopathy (congenital without impaired intellectual development), type B, 4. Last evaluated: 2021-07-09. Review status: criteria provided, single submitter. Criteria: ACMG Guidelines, 2015. Collection method: clinical testing. Allele origin: unknown.

Eurofins Ntd Llc (ga)
Classification: Uncertain significance. Last evaluated: 2016-08-08. Review status: criteria provided, single submitter. Criteria: EGL Classification Definitions 2015. Collection method: clinical testing. Allele origin: germline. Observed: 1 variant allele, 1 heterozygote.

Natera, Inc.
Classification: Uncertain significance for Walker-Warburg congenital muscular dystrophy. Last evaluated: 2020-01-23. Review status: no assertion criteria provided. Collection method: clinical testing. Allele origin: germline. Not counted in ClinVar's aggregate classification.

NM_001079802.2(FKTN):c.703C>A (p.Pro235Thr)

Gene: FKTN (fukutin; plus strand). Cytogenetic location: 9q31.2.
Variant type: single nucleotide variant.
Coding change: c.703C>A on transcript NM_001079802.2 (MANE Select); coding-DNA position 703, C replaced by A.
Protein change: p.Pro235Thr; replaces proline 235 with threonine.
Molecular consequence: missense variant. On other transcripts: non-coding transcript variant (2).
Genome position (GRCh38, 1-based): chr9:105,607,874, C>A. VCF-style: chr9-105607874-C-A. GRCh37 (hg19) VCF-style: chr9-108370155-C-A.
Other names: p.Pro235Thr; c.703C>A, p.Pro235Thr (NM_001198963.2, NM_001351496.2, NM_001351498.2 and 1 more transcripts); c.634C>A, p.Pro212Thr (NM_001351497.2); c.307C>A, p.Pro103Thr (NM_001351499.2, NM_001351500.2, NM_001351501.2 and 1 more transcripts); short protein forms P235T, P103T, P212T.
Identifiers: ClinVar variation 290215 (VCV000290215.50), dbSNP rs373418195, ClinGen allele CA5170471.